The following is an entry in ClinVar:

NM_001166108.2(PALLD):c.2027C>A (p.Thr676Lys)

Gene: PALLD (palladin, cytoskeletal associated protein; plus strand). Cytogenetic location: 4q32.3.
Variant type: single nucleotide variant.
Coding change: c.2027C>A on transcript NM_001166108.2 (MANE Select); coding-DNA position 2027, C replaced by A.
Protein change: p.Thr676Lys; replaces threonine 676 with lysine.
Molecular consequence: missense variant. On other transcripts: 5 prime UTR variant (4).
Genome position (GRCh38, 1-based): chr4:168,890,984, C>A. VCF-style: chr4-168890984-C-A. GRCh37 (hg19) VCF-style: chr4-169812135-C-A.
Other names: c.881C>A, p.Thr294Lys (NM_001166109.2); c.566C>A, p.Thr189Lys (NM_001166110.2); c.-95C>A (NM_001367567.1, NM_001367568.1, NM_001367569.1 and 1 more transcripts); c.2027C>A, p.Thr676Lys (NM_016081.4); short protein forms T676K, T189K, T294K.
Identifiers: ClinVar variation 2624853 (VCV002624853.3), dbSNP rs368056641, ClinGen allele CA358797188.

ClinVar aggregate classification (germline): Uncertain significance. Review status: criteria provided, multiple submitters, no conflicts (2 of 4 stars). 2 submissions from 2 submitters: Uncertain significance (2). Last evaluated 2024-03-09.

Conditions:
Pancreatic cancer, susceptibility to, 1. Identifiers: Orphanet 1333, MedGen C1847351, MONDO:0011739, OMIM 606856.

Submissions (2):

Fulgent Genetics
Classification: Uncertain significance for Pancreatic cancer, susceptibility to, 1. Last evaluated: 2024-03-09. Review status: criteria provided, single submitter. Criteria: ACMG Guidelines, 2015. Collection method: clinical testing. Allele origin: germline.

Ambry Genetics
Classification: Uncertain significance. Last evaluated: 2023-06-18. Review status: criteria provided, single submitter. Criteria: Ambry Variant Classification Scheme 2023. Collection method: clinical testing. Allele origin: germline.
Comment: The p.T676K variant (also known as c.2027C>A), located in coding exon 10 of the PALLD gene, results from a C to A substitution at nucleotide position 2027. The threonine at codon 676 is replaced by lysine, an amino acid with similar properties. This amino acid position is conserved. In addition, this alteration is predicted to be tolerated by in silico analysis. Since supporting evidence is limited at this time, the clinical significance of this alteration remains unclear.